The following is an entry in ClinVar:

NM_006648.4(WNK2):c.537C>G (p.Asp179Glu)

Gene: WNK2 (WNK lysine deficient protein kinase 2; plus strand). Cytogenetic location: 9q22.31.
Variant type: single nucleotide variant.
Coding change: c.537C>G on transcript NM_006648.4 (MANE Select); coding-DNA position 537, C replaced by G.
Protein change: p.Asp179Glu; replaces aspartic acid 179 with glutamic acid.
Molecular consequence: missense variant.
Genome position (GRCh38, 1-based): chr9:93,185,466, C>G. VCF-style: chr9-93185466-C-G. GRCh37 (hg19) VCF-style: chr9-95947748-C-G.
Other names: c.537C>G, p.Asp179Glu (NM_001282394.3); short protein forms D179E.
Identifiers: ClinVar variation 3981655 (VCV003981655.1).

ClinVar aggregate classification (germline): Uncertain significance (1 of 4 stars; one submission).

gnomAD v4.1: 13 of 1,612,502 alleles (0.00081%); highest among the groups gnomAD compares: African/African-American, 0.0013%; no homozygotes.

Submission:

Ambry Genetics
Classification: Uncertain significance. Last evaluated: 2025-03-17. Review status: criteria provided, single submitter. Criteria: Ambry Variant Classification Scheme 2023. Collection method: clinical testing. Allele origin: germline.
Comment: The p.D179E variant (also known as c.537C>G), located in coding exon 1 of the WNK2 gene, results from a C to G substitution at nucleotide position 537. The aspartic acid at codon 179 is replaced by glutamic acid, an amino acid with highly similar properties. This amino acid position is conserved. In addition, this alteration is predicted to be tolerated by in silico analysis. Based on the available evidence, the clinical significance of this variant remains unclear.